The following is an entry in ClinVar:

ClinVar aggregate classification (germline): Likely benign (0 of 4 stars; one submission).

Conditions:
INTS1-related disorder. Also called: INTS1-related condition.

Allele frequency attached by ClinVar (database versions not stated): ExAC 0.00005; gnomAD 0.00005; TOPMed 0.00006; 1000 Genomes Project 30x 0.00016; 1000 Genomes Project 0.00020.
gnomAD v4.1: 20 of 1,547,878 alleles (0.0013%); highest among the groups gnomAD compares: African/African-American, 0.016%; no homozygotes.

Submission:

PreventionGenetics, part of Exact Sciences
Classification: Likely benign for INTS1-related condition. Last evaluated: 2019-05-31. Review status: no assertion criteria provided. Collection method: clinical testing. Allele origin: germline.
Comment: This variant is classified as likely benign based on ACMG/AMP sequence variant interpretation guidelines (Richards et al. 2015 PMID: 25741868, with internal and published modifications).

NM_001080453.3(INTS1):c.2655G>A (p.Ser885=)

Gene: INTS1 (integrator complex subunit 1; minus strand). Cytogenetic location: 7p22.3.
Variant type: single nucleotide variant.
Coding change: c.2655G>A on transcript NM_001080453.3 (MANE Select); coding-DNA position 2655, G replaced by A.
Protein change: p.Ser885=; no amino-acid change (serine 885 retained).
Molecular consequence: synonymous variant.
Genome position (GRCh38, 1-based): chr7:1,487,093, C>T on the plus strand (G>A on the coding strand, the complement: INTS1 is on the minus strand). VCF-style: chr7-1487093-C-T. GRCh37 (hg19) VCF-style: chr7-1526729-C-T.
Identifiers: ClinVar variation 3041163 (VCV003041163.2), dbSNP rs201652864, ClinGen allele CA4119696.